The following is an entry in ClinVar:

ClinVar aggregate classification (germline): Uncertain significance. Review status: criteria provided, multiple submitters, no conflicts (2 of 4 stars). 2 submissions from 2 submitters: Uncertain significance (2). Last evaluated 2024-11-04.

Conditions:
Beta-D-mannosidosis (MANSB). Also called: BETA-MANNOSIDASE DEFICIENCY; MANNOSIDOSIS, BETA A, LYSOSOMAL; LYSOSOMAL BETA-MANNOSIDASE DEFICIENCY; Beta-Mannosidosis. Identifiers: Orphanet 118, MedGen C4048196, MONDO:0009562, OMIM 248510.

gnomAD v4.1: 59 of 1,613,206 alleles (0.0037%); highest among the groups gnomAD compares: Middle Eastern, 0.016%; no homozygotes.

Submissions (2):

Blueprint Genetics
Classification: Uncertain significance. Last evaluated: 2024-11-04. Review status: criteria provided, single submitter. Criteria: ACMG Guidelines, 2015. Collection method: clinical testing. Allele origin: germline.

Labcorp Genetics (formerly Invitae), Labcorp
Classification: Uncertain significance for Beta-D-mannosidosis. Last evaluated: 2022-05-31. Review status: criteria provided, single submitter. Criteria: Invitae Variant Classification Sherloc (09022015). Collection method: clinical testing. Allele origin: germline.
Comment: This sequence change replaces arginine, which is basic and polar, with histidine, which is basic and polar, at codon 613 of the MANBA protein (p.Arg613His). This variant is present in population databases (rs377540450, gnomAD 0.006%). This variant has not been reported in the literature in individuals affected with MANBA-related conditions. Algorithms developed to predict the effect of missense changes on protein structure and function (SIFT, PolyPhen-2, Align-GVGD) all suggest that this variant is likely to be tolerated. In summary, the available evidence is currently insufficient to determine the role of this variant in disease. Therefore, it has been classified as a Variant of Uncertain Significance.

NM_005908.4(MANBA):c.1838G>A (p.Arg613His)

Gene: MANBA (mannosidase beta; minus strand). Cytogenetic location: 4q24.
Variant type: single nucleotide variant.
Coding change: c.1838G>A on transcript NM_005908.4 (MANE Select); coding-DNA position 1838, G replaced by A.
Protein change: p.Arg613His; replaces arginine 613 with histidine.
Molecular consequence: missense variant.
Genome position (GRCh38, 1-based): chr4:102,650,568, C>T on the plus strand (G>A on the coding strand, the complement: MANBA is on the minus strand). VCF-style: chr4-102650568-C-T. GRCh37 (hg19) VCF-style: chr4-103571725-C-T.
Other names: short protein forms R613H.
Identifiers: ClinVar variation 2064687 (VCV002064687.2), dbSNP rs377540450, ClinGen allele CA3026789.